The following is an entry in ClinVar:

NM_004369.4(COL6A3):c.3852C>T (p.Phe1284=)

Gene: COL6A3 (collagen type VI alpha 3 chain; minus strand). Cytogenetic location: 2q37.3.
Variant type: single nucleotide variant.
Coding change: c.3852C>T on transcript NM_004369.4 (MANE Select); coding-DNA position 3852, C replaced by T.
Protein change: p.Phe1284=; no amino-acid change (phenylalanine 1284 retained).
Molecular consequence: synonymous variant.
Genome position (GRCh38, 1-based): chr2:237,372,165, G>A on the plus strand (C>T on the coding strand, the complement: COL6A3 is on the minus strand). VCF-style: chr2-237372165-G-A. GRCh37 (hg19) VCF-style: chr2-238280808-G-A.
Other names: c.2631C>T, p.Phe877= (NM_057164.5); c.3234C>T, p.Phe1078= (NM_057165.5, NM_057167.4); c.2031C>T, p.Phe677= (NM_057166.5).
Identifiers: ClinVar variation 281300 (VCV000281300.14), dbSNP rs148561729, ClinGen allele CA2189060.

ClinVar aggregate classification (germline): Conflicting classifications of pathogenicity. Review status: criteria provided, conflicting classifications (1 of 4 stars). 4 submissions from 4 submitters: Uncertain significance (1); Likely benign (3). Last evaluated 2026-03-10.

Conditions:
COL6A3-related disorder. Also called: COL6A3-related condition; COL6A3-related disorders.
Bethlem myopathy 1A. Also called: Bethlem Muscular Dystrophy; MYOPATHY, BENIGN CONGENITAL, WITH CONTRACTURES; Bethlem myopathy 1. Identifiers: Orphanet 610, MedGen CN029274, MONDO:0024530, OMIM 158810.

Allele frequency attached by ClinVar (database versions not stated): TOPMed 0.00018; 1000 Genomes Project 30x 0.00031; 1000 Genomes Project 0.00040.
gnomAD v4.1: 50 of 1,614,112 alleles (0.0031%); highest among the groups gnomAD compares: African/African-American, 0.049%; no homozygotes.

Submissions (4):

PreventionGenetics, part of Exact Sciences
Classification: Likely benign for COL6A3-related condition. Last evaluated: 2026-03-10. Review status: criteria provided, single submitter. Criteria: ACMG Guidelines, 2015. Collection method: clinical testing. Allele origin: germline.
Comment: This variant is classified as likely benign based on ACMG/AMP sequence variant interpretation guidelines (Richards et al. 2015 PMID: 25741868, with internal and published modifications).

Labcorp Genetics (formerly Invitae), Labcorp
Classification: Likely benign for Bethlem myopathy 1A. Last evaluated: 2025-07-05. Review status: criteria provided, single submitter. Criteria: Invitae Variant Classification Sherloc (09022015). Collection method: clinical testing. Allele origin: germline.

GeneDx
Classification: Likely benign. Last evaluated: 2016-10-04. Review status: criteria provided, single submitter. Criteria: GeneDx Variant Classification (06012015). Collection method: clinical testing. Allele origin: germline. Affected: yes.
Comment: This variant is considered likely benign or benign based on one or more of the following criteria: it is a conservative change, it occurs at a poorly conserved position in the protein, it is predicted to be benign by multiple in silico algorithms, and/or has population frequency not consistent with disease.

Eurofins Ntd Llc (ga)
Classification: Uncertain significance. Last evaluated: 2015-07-06. Review status: criteria provided, single submitter. Criteria: EGL Classification Definitions 2015. Collection method: clinical testing. Allele origin: germline. Observed: 1 variant allele, 1 heterozygote.